The following is an entry in ClinVar:

ClinVar aggregate classification (germline): Uncertain significance (1 of 4 stars; one submission).

Allele frequency attached by ClinVar (database versions not stated): gnomAD exomes below 0.00001 and 0.00002; TOPMed below 0.00001; gnomAD 0.00001; ExAC 0.00003.
gnomAD v4.1: 10 of 1,607,570 alleles (0.00062%); highest among the groups gnomAD compares: South Asian, 0.0056%; no homozygotes.

Submission:

Labcorp Genetics (formerly Invitae), Labcorp
Classification: Uncertain significance. Last evaluated: 2022-01-11. Review status: criteria provided, single submitter. Criteria: Invitae Variant Classification Sherloc (09022015). Collection method: clinical testing. Allele origin: germline.
Comment: This variant is present in population databases (rs753733668, gnomAD 0.02%). This sequence change replaces proline, which is neutral and non-polar, with arginine, which is basic and polar, at codon 579 of the SI protein (p.Pro579Arg). This variant has not been reported in the literature in individuals affected with SI-related conditions. Advanced modeling of protein sequence and biophysical properties (such as structural, functional, and spatial information, amino acid conservation, physicochemical variation, residue mobility, and thermodynamic stability) performed at Invitae indicates that this missense variant is expected to disrupt SI protein function. In summary, the available evidence is currently insufficient to determine the role of this variant in disease. Therefore, it has been classified as a Variant of Uncertain Significance.

NM_001041.4(SI):c.1736C>G (p.Pro579Arg)

Gene: SI (sucrase-isomaltase; minus strand). Cytogenetic location: 3q26.1.
Variant type: single nucleotide variant.
Coding change: c.1736C>G on transcript NM_001041.4 (MANE Select); coding-DNA position 1736, C replaced by G.
Protein change: p.Pro579Arg; replaces proline 579 with arginine.
Molecular consequence: missense variant.
Genome position (GRCh38, 1-based): chr3:165,046,992, G>C on the plus strand (C>G on the coding strand, the complement: SI is on the minus strand). VCF-style: chr3-165046992-G-C. GRCh37 (hg19) VCF-style: chr3-164764780-G-C.
Other names: short protein forms P579R.
Identifiers: ClinVar variation 1524212 (VCV001524212.8), dbSNP rs753733668, ClinGen allele CA2690954.
Genomic context (GRCh38, chr3:165,046,992, plus strand): 5'-GCAGCATGTCTTCCAGATCCAGCAAATGTTGAGCGGGTAAGAATGAAGCTTCTCTTATTA[G>C]GAAAAACTTTTTGTACAGCTCTAAAAATAAAACCAAATTAACAAATACAATTTATTTTAA-3'
Protein context (NP_001032.2, residues 569-589): ATEQAVQKVF[Pro579Arg]NKRSFILTRS